The following is an entry in ClinVar:

ClinVar aggregate classification (germline): Uncertain significance (1 of 4 stars; one submission).

Conditions:
Generalized epilepsy with febrile seizures plus, type 7 (GEFSP7). Also called: GEFS+, TYPE 7. Identifiers: Orphanet 36387, MedGen C2751778, MONDO:0013470, OMIM 613863.
Neuropathy, hereditary sensory and autonomic, type 2A (HSAN2A). Also called: NEUROPATHY, CONGENITAL SENSORY; NEUROPATHY, HEREDITARY SENSORY RADICULAR, AUTOSOMAL RECESSIVE; NEUROPATHY, HEREDITARY SENSORY, TYPE IIA; NEUROPATHY, PROGRESSIVE SENSORY, OF CHILDREN; HSAN IIA; MORVAN DISEASE. Identifiers: Orphanet 970, MedGen C2752089, MONDO:0024309, OMIM 201300.

Allele frequency attached by ClinVar (database versions not stated): gnomAD exomes 0.00001; ExAC 0.00002; TOPMed 0.00003.
gnomAD v4.1: 16 of 1,613,776 alleles (0.00099%); highest among the groups gnomAD compares: Non-Finnish European, 0.0014%; no homozygotes.

Submission:

Labcorp Genetics (formerly Invitae), Labcorp
Classification: Uncertain significance for Neuropathy, hereditary sensory and autonomic, type 2A; Generalized epilepsy with febrile seizures plus, type 7. Last evaluated: 2021-11-18. Review status: criteria provided, single submitter. Criteria: Invitae Variant Classification Sherloc (09022015). Collection method: clinical testing. Allele origin: germline.
Comment: In summary, the available evidence is currently insufficient to determine the role of this variant in disease. Therefore, it has been classified as a Variant of Uncertain Significance. Algorithms developed to predict the effect of missense changes on protein structure and function are either unavailable or do not agree on the potential impact of this missense change (SIFT: "Deleterious"; PolyPhen-2: "Possibly Damaging"; Align-GVGD: "Class C15"). This variant has not been reported in the literature in individuals affected with SCN9A-related conditions. This variant is present in population databases (rs766933679, gnomAD 0.002%). This sequence change replaces methionine, which is neutral and non-polar, with valine, which is neutral and non-polar, at codon 268 of the SCN9A protein (p.Met268Val).

NM_001365536.1(SCN9A):c.802A>G (p.Met268Val)

Gene: SCN9A (sodium voltage-gated channel alpha subunit 9; minus strand). Cytogenetic location: 2q24.3.
Variant type: single nucleotide variant.
Coding change: c.802A>G on transcript NM_001365536.1 (MANE Select); coding-DNA position 802, A replaced by G.
Protein change: p.Met268Val; replaces methionine 268 with valine.
Molecular consequence: missense variant.
Genome position (GRCh38, 1-based): chr2:166,303,189, T>C on the plus strand (A>G on the coding strand, the complement: SCN9A is on the minus strand). VCF-style: chr2-166303189-T-C. GRCh37 (hg19) VCF-style: chr2-167159699-T-C.
Other names: c.802A>G, p.Met268Val (NM_002977.4); short protein forms M268V.
Identifiers: ClinVar variation 1378115 (VCV001378115.6), dbSNP rs766933679, ClinGen allele CA1944656.
Genomic context (GRCh38, chr2:166,303,189, plus strand): 5'-TTTCTAATGTTTCATTATTTTCAAGTGAATTTCGAAAACATTTATGCTTCAGGTTTCCCA[T>C]GAACAGCTGTAGTCCAATTAGTGCAAACACACTCAGACAGAACACAGTCAGGATCATGAC-3'
Protein context (NP_001352465.1, residues 258-278): VFALIGLQLF[Met268Val]GNLKHKCFRN